The following is an entry in ClinVar:

ClinVar aggregate classification (germline): Uncertain significance (1 of 4 stars; one submission).

Submission:

GeneDx
Classification: Uncertain significance. Last evaluated: 2026-03-26. Review status: criteria provided, single submitter. Criteria: GeneDx Variant Classification Process June 2021. Collection method: clinical testing. Allele origin: germline.
Comment: Not observed at significant frequency in large population cohorts (gnomAD); In-frame duplication of 1 amino acid(s) in a non-repeat region; Has not been previously published as pathogenic or benign to our knowledge

NM_001386135.1(AFF3):c.2022CTC[4] (p.Ser677_Asp678insSer)

Gene: AFF3 (ALF transcription elongation factor 3; minus strand). Cytogenetic location: 2q11.2.
Variant type: Microsatellite.
Coding change: c.2022CTC[4] on transcript NM_001386135.1 (MANE Select); four copies in a row of the 3-base unit CTC starting at c.2022; the reference has three copies in a row; one copy, 3 bases duplicated.
Protein change: p.Ser677_Asp678insSer.
Molecular consequence: inframe insertion.
Genome position (GRCh38, 1-based): chr2:99,593,631-99,593,633, GAG duplicated on the plus strand (CTC on the coding strand, the reverse complement: AFF3 is on the minus strand); duplicating any 3 consecutive bases within chr2:99,593,631-99,593,641 gives the same sequence; the position shown is the placement nearest the transcript's 3' end. VCF-style (leftmost placement, unchanged base first): chr2-99593630-C-CGAG. GRCh37 (hg19) VCF-style: chr2-100210092-C-CGAG.
Other names: c.2097CTC[4], p.Ser702_Asp703insSer (NM_001025108.2); c.2022CTC[4], p.Ser677_Asp678insSer (NM_002285.3).
Identifiers: ClinVar variation 5017587 (VCV005017587.1).